The following is an entry in ClinVar:

ClinVar aggregate classification (germline): Uncertain significance (1 of 4 stars; one submission).

Conditions:
Cardiovascular phenotype. Identifiers: MedGen CN230736.

Submission:

Ambry Genetics
Classification: Uncertain significance for Cardiovascular phenotype. Last evaluated: 2019-11-27. Review status: criteria provided, single submitter. Criteria: Ambry Variant Classification Scheme 2023. Collection method: clinical testing. Allele origin: germline.
Comment: The p.G164R variant (also known as c.490G>C), located in coding exon 1 of the ALPK3 gene, results from a G to C substitution at nucleotide position 490. The glycine at codon 164 is replaced by arginine, an amino acid with dissimilar properties. This amino acid position is highly conserved in available vertebrate species. In addition, this alteration is predicted to be tolerated by in silico analysis. Since supporting evidence is limited at this time, the clinical significance of this alteration remains unclear.

NM_020778.4(ALPK3):c.490G>C (p.Gly164Arg)

Gene: ALPK3 (alpha kinase 3; plus strand). Cytogenetic location: 15q25.3.
Variant type: single nucleotide variant.
Coding change: c.490G>C on transcript NM_020778.4; coding-DNA position 490, G replaced by C.
Protein change: p.Gly164Arg; replaces glycine 164 with arginine.
Genome position (GRCh38, 1-based): chr15:84,817,336, G>C. VCF-style: chr15-84817336-G-C. GRCh37 (hg19) VCF-style: chr15-85360567-G-C.
Other names: short protein forms G164R.
Identifiers: ClinVar variation 1744044 (VCV001744044.2), dbSNP rs2505688852, ClinGen allele CA393369021.